The following is an entry in ClinVar:

NM_002397.5(MEF2C):c.622G>A (p.Ala208Thr)

Gene: MEF2C (myocyte enhancer factor 2C; minus strand). Cytogenetic location: 5q14.3.
Variant type: single nucleotide variant.
Coding change: c.622G>A on transcript NM_002397.5 (MANE Select); coding-DNA position 622, G replaced by A.
Protein change: p.Ala208Thr; replaces alanine 208 with threonine.
Molecular consequence: missense variant.
Genome position (GRCh38, 1-based): chr5:88,749,085, C>T on the plus strand (G>A on the coding strand, the complement: MEF2C is on the minus strand). VCF-style: chr5-88749085-C-T. GRCh37 (hg19) VCF-style: chr5-88044902-C-T.
Other names: c.622G>A, p.Ala208Thr (NM_001364337.2, NM_001364339.2, NM_001364340.2 and 18 more transcripts); c.676G>A, p.Ala226Thr (NM_001364338.2, NM_001193347.1); c.616G>A, p.Ala206Thr (NM_001364343.2, NM_001131005.2, NM_001364352.2); c.478G>A, p.Ala160Thr (NM_001364344.2, NM_001193348.1, NM_001193349.3 and 3 more transcripts); c.244G>A, p.Ala82Thr (NM_001364353.2, NM_001364356.2); c.196G>A, p.Ala66Thr (NM_001364357.2); short protein forms A160T, A82T, A206T, A208T, A226T, A66T.
Identifiers: ClinVar variation 3688561 (VCV003688561.2).

ClinVar aggregate classification (germline): Uncertain significance (1 of 4 stars; one submission).

Conditions:
Neurodevelopmental disorder with hypotonia, stereotypic hand movements, and impaired language. Also called: Intellectual disability, autosomal dominant 20. Identifiers: Orphanet 228384, Orphanet 664410, MedGen C3150700, MONDO:0013266, OMIM 613443.

gnomAD v4.1: 2 of 1,575,186 alleles (0.00013%); highest among the groups gnomAD compares: Admixed American, 0.0018%; no homozygotes.

Submission:

Labcorp Genetics (formerly Invitae), Labcorp
Classification: Uncertain significance for Neurodevelopmental disorder with hypotonia, stereotypic hand movements, and impaired language. Last evaluated: 2024-10-03. Review status: criteria provided, single submitter. Criteria: Invitae Variant Classification Sherloc (09022015). Collection method: clinical testing. Allele origin: germline.
Comment: This sequence change replaces alanine, which is neutral and non-polar, with threonine, which is neutral and polar, at codon 208 of the MEF2C protein (p.Ala208Thr). The frequency data for this variant in the population databases is considered unreliable, as metrics indicate poor data quality at this position in the gnomAD database. This variant has not been reported in the literature in individuals affected with MEF2C-related conditions. Invitae Evidence Modeling of protein sequence and biophysical properties (such as structural, functional, and spatial information, amino acid conservation, physicochemical variation, residue mobility, and thermodynamic stability) indicates that this missense variant is not expected to disrupt MEF2C protein function with a negative predictive value of 95%. In summary, the available evidence is currently insufficient to determine the role of this variant in disease. Therefore, it has been classified as a Variant of Uncertain Significance.